The following is an entry in ClinVar:

ClinVar aggregate classification (germline): Uncertain significance. Review status: criteria provided, multiple submitters, no conflicts (2 of 4 stars). 2 submissions from 2 submitters: Uncertain significance (2). Last evaluated 2025-11-09.

Conditions:
Inborn genetic diseases. Identifiers: MedGen C0950123, MeSH D030342.

Allele frequency attached by ClinVar (database versions not stated): gnomAD exomes 0.00001 and 0.00004; TOPMed 0.00001.

Submissions (2):

Labcorp Genetics (formerly Invitae), Labcorp
Classification: Uncertain significance. Last evaluated: 2025-11-09. Review status: criteria provided, single submitter. Criteria: Invitae Variant Classification Sherloc (09022015). Collection method: clinical testing. Allele origin: germline.
Comment: This sequence change replaces arginine, which is basic and polar, with tryptophan, which is neutral and slightly polar, at codon 73 of the TCIRG1 protein (p.Arg73Trp). The frequency data for this variant in the population databases is considered unreliable, as metrics indicate poor data quality at this position in the gnomAD database. This variant has not been reported in the literature in individuals affected with TCIRG1-related conditions. ClinVar contains an entry for this variant (Variation ID: 1405739). Invitae Evidence Modeling of protein sequence and biophysical properties (such as structural, functional, and spatial information, amino acid conservation, physicochemical variation, residue mobility, and thermodynamic stability) indicates that this missense variant is not expected to disrupt TCIRG1 protein function with a negative predictive value of 80%. In summary, the available evidence is currently insufficient to determine the role of this variant in disease. Therefore, it has been classified as a Variant of Uncertain Significance.

Ambry Genetics
Classification: Uncertain significance for Inborn genetic diseases. Last evaluated: 2025-07-14. Review status: criteria provided, single submitter. Criteria: Ambry Variant Classification Scheme 2023. Collection method: clinical testing. Allele origin: germline.

NM_006019.4(TCIRG1):c.217C>T (p.Arg73Trp)

Gene: TCIRG1 (T cell immune regulator 1, ATPase H+ transporting V0 subunit a3; plus strand). Cytogenetic location: 11q13.2.
Variant type: single nucleotide variant.
Coding change: c.217C>T on transcript NM_006019.4 (MANE Select); coding-DNA position 217, C replaced by T.
Protein change: p.Arg73Trp; replaces arginine 73 with tryptophan.
Molecular consequence: missense variant. On other transcripts: 5 prime UTR variant (1).
Genome position (GRCh38, 1-based): chr11:68,042,663, C>T. VCF-style: chr11-68042663-C-T. GRCh37 (hg19) VCF-style: chr11-67810130-C-T.
Other names: c.217C>T (NM_006019.3); c.-1033C>T (NM_001351059.2); short protein forms R73W.
Identifiers: ClinVar variation 1405739 (VCV001405739.8), dbSNP rs1384688935, ClinGen allele CA381575219.